The following is an entry in ClinVar:

ClinVar aggregate classification (germline): Likely benign (1 of 4 stars; one submission).

Allele frequency attached by ClinVar (database versions not stated): gnomAD exomes below 0.00001.
gnomAD v4.1: 2 of 1,607,504 alleles (0.00012%); highest among the groups gnomAD compares: Middle Eastern, 0.021%; no homozygotes.

Submission:

CeGaT Center for Human Genetics Tuebingen
Classification: Likely benign. Last evaluated: 2023-04-01. Review status: criteria provided, single submitter. Criteria: CeGaT Center For Human Genetics Tuebingen Variant Classification Criteria Version 2. Collection method: clinical testing. Allele origin: germline. Affected: yes. Observed: 1 variant allele.
Comment: PCDHB6: PM2:Supporting, BP4, BP7

NM_018939.4(PCDHB6):c.1998G>A (p.Gln666=)

Genes: PCDHB6 (protocadherin beta 6; plus strand), PCDHB@ (protocadherin beta cluster; plus strand). Cytogenetic location: 5q31.3.
Variant type: single nucleotide variant.
Coding change: c.1998G>A on transcript NM_018939.4 (MANE Select); coding-DNA position 1998, G replaced by A.
Protein change: p.Gln666=; no amino-acid change (glutamine 666 retained).
Molecular consequence: synonymous variant.
Genome position (GRCh38, 1-based): chr5:141,152,255, G>A. VCF-style: chr5-141152255-G-A. GRCh37 (hg19) VCF-style: chr5-140531836-G-A.
Other names: c.1590G>A, p.Gln530= (NM_001303145.2).
Identifiers: ClinVar variation 2655812 (VCV002655812.24), dbSNP rs868965199, ClinGen allele CA447061425.